The following is an entry in ClinVar:

NM_001395002.1(MAP4K4):c.106dup (p.Tyr36fs)

Gene: MAP4K4 (mitogen-activated protein kinase kinase kinase kinase 4; plus strand). Cytogenetic location: 2q11.2.
Variant type: Duplication.
Coding change: c.106dup on transcript NM_001395002.1 (MANE Select); coding-DNA position 106, one base duplicated (T; older notation c.106dupT).
Protein change: p.Tyr36fs; shifts the reading frame from tyrosine 36.
Molecular consequence: frameshift variant. On other transcripts: non-coding transcript variant (4).
Genome position (GRCh38, 1-based): chr2:101,698,521, T duplicated. VCF-style (leftmost placement, unchanged base first): chr2-101698520-C-CT. GRCh37 (hg19) VCF-style: chr2-102314982-C-CT.
Other names: c.106dup, p.Tyr36fs (NM_001242559.2, NM_001242560.2, NM_001384476.1 and 28 more transcripts); c.106dup, p.Tyr36Leufs (NM_001384480.1); c.-638dup (NM_001384489.1, NM_001384505.1, NM_001384544.1 and 1 more transcripts); c.79dup, p.Tyr27fs (NM_001384549.1, NM_001384550.1, NM_001384551.1 and 16 more transcripts); short protein forms Y27fs, Y36fs.
Identifiers: ClinVar variation 2580529 (VCV002580529.2), dbSNP rs2466782013, ClinGen allele CA2580618153.
Genomic context (GRCh38, chr2:101,698,520, plus strand): 5'-CCTTCCTCTCCAGGATCCTGCTGGGATTTTTGAGCTGGTGGAAGTGGTTGGAAATGGCAC[C>CT]TATGGACAAGTCTATAAGGTCGGTGTGGGCGCCTTCTTTGTTTCCCGTGGCATGTGGAAA-3'

ClinVar aggregate classification (germline): Uncertain significance (1 of 4 stars; one submission).

Submission:

GeneDx
Classification: Uncertain significance. Last evaluated: 2024-02-20. Review status: criteria provided, single submitter. Criteria: GeneDx Variant Classification Process June 2021. Collection method: clinical testing. Allele origin: germline.
Comment: Not observed at significant frequency in large population cohorts (gnomAD); Frameshift variant predicted to result in protein truncation or nonsense mediated decay in a gene or region of a gene for which loss of function is not a well-established mechanism of disease; Has not been previously published as pathogenic or benign to our knowledge